The following is an entry in ClinVar:

NM_017671.5(FERMT1):c.*1464C>T

Gene: FERMT1 (FERM domain containing kindlin 1; minus strand). Cytogenetic location: 20p12.3.
Variant type: single nucleotide variant.
Coding change: c.*1464C>T on transcript NM_017671.5 (MANE Select); 1464 bases downstream of the stop codon, C replaced by T.
Molecular consequence: 3 prime UTR variant.
Genome position (GRCh38, 1-based): chr20:6,075,709, G>A on the plus strand (C>T on the coding strand, the complement: FERMT1 is on the minus strand). VCF-style: chr20-6075709-G-A. GRCh37 (hg19) VCF-style: chr20-6056356-G-A.
Identifiers: ClinVar variation 339180 (VCV000339180.6), dbSNP rs1059391, ClinGen allele CA10653336.

ClinVar aggregate classification (germline): Benign. Review status: criteria provided, multiple submitters, no conflicts (2 of 4 stars). 2 submissions from 2 submitters: Benign (2). Last evaluated 2018-01-13.

Conditions:
Kindler syndrome (KNDLRS). Also called: BULLOUS ACROKERATOTIC POIKILODERMA OF KINDLER AND WEARY; POIKILODERMA, CONGENITAL, WITH BULLAE, WEARY TYPE; POIKILODERMA, HEREDITARY ACROKERATOTIC; Hereditary acrokeratotic poikiloderma of Weary; Poikiloderma of Kindler; Congenital bullous poikiloderma. Identifiers: Orphanet 2908, Orphanet 306539, MedGen C0406557, MONDO:0008260, OMIM 173650.

Allele frequency attached by ClinVar (database versions not stated): gnomAD exomes 0.18293; gnomAD 0.23405 and 0.24044; 1000 Genomes Project 0.31869; TOPMed 0.25360; 1000 Genomes Project 30x 0.30903.
gnomAD v4.1: 36,595 of 152,224 alleles (24%); highest among the groups gnomAD compares: East Asian, 56%; 4,886 homozygotes.

Submissions (2):

Illumina Laboratory Services, Illumina
Classification: Benign for Kindler syndrome. Last evaluated: 2018-01-13. Review status: criteria provided, single submitter. Criteria: ICSL Variant Classification Criteria 13 December 2019. Collection method: clinical testing. Allele origin: germline.
Comment: This variant was observed in the ICSL laboratory as part of a predisposition screen in an ostensibly healthy population. It had not been previously curated by ICSL or reported in the Human Gene Mutation Database (HGMD: prior to June 1st, 2018), and was therefore a candidate for classification through an automated scoring system. Utilizing variant allele frequency, disease prevalence and penetrance estimates, and inheritance mode, an automated score was calculated to assess if this variant is too frequent to cause the disease. Based on the score and internal cut-off values, a variant classified as benign is not then subjected to further curation. The score for this variant resulted in a classification of benign for this disease.

Breakthrough Genomics
Classification: Benign. Review status: criteria provided, single submitter. Criteria: ACMG Guidelines, 2015. Collection method: not provided. Allele origin: germline. Inheritance: Autosomal recessive inheritance. Affected: yes.